The following is an entry in ClinVar:

ClinVar aggregate classification (germline): Uncertain significance (1 of 4 stars; one submission).

Submission:

Labcorp Genetics (formerly Invitae), Labcorp
Classification: Uncertain significance. Last evaluated: 2023-12-26. Review status: criteria provided, single submitter. Criteria: Invitae Variant Classification Sherloc (09022015). Collection method: clinical testing. Allele origin: germline.
Comment: This sequence change replaces arginine, which is basic and polar, with lysine, which is basic and polar, at codon 387 of the MYH9 protein (p.Arg387Lys). This variant is not present in population databases (gnomAD no frequency). This variant has not been reported in the literature in individuals affected with MYH9-related conditions. Advanced modeling of protein sequence and biophysical properties (such as structural, functional, and spatial information, amino acid conservation, physicochemical variation, residue mobility, and thermodynamic stability) performed at Invitae indicates that this missense variant is not expected to disrupt MYH9 protein function with a negative predictive value of 95%. In summary, the available evidence is currently insufficient to determine the role of this variant in disease. Therefore, it has been classified as a Variant of Uncertain Significance.

NM_002473.6(MYH9):c.1160G>A (p.Arg387Lys)

Gene: MYH9 (myosin heavy chain 9; minus strand). Cytogenetic location: 22q12.3.
Variant type: single nucleotide variant.
Coding change: c.1160G>A on transcript NM_002473.6 (MANE Select); coding-DNA position 1160, G replaced by A.
Protein change: p.Arg387Lys; replaces arginine 387 with lysine.
Molecular consequence: missense variant.
Genome position (GRCh38, 1-based): chr22:36,318,274, C>T on the plus strand (G>A on the coding strand, the complement: MYH9 is on the minus strand). VCF-style: chr22-36318274-C-T. GRCh37 (hg19) VCF-style: chr22-36714319-C-T.
Other names: short protein forms R387K.
Identifiers: ClinVar variation 2770845 (VCV002770845.3), dbSNP rs2517991525, ClinGen allele CA411403459.